The following is an entry in ClinVar:

ClinVar aggregate classification (germline): Uncertain significance. Review status: criteria provided, multiple submitters, no conflicts (2 of 4 stars). 2 submissions from 2 submitters: Uncertain significance (2). Last evaluated 2025-04-04.

Conditions:
Inborn genetic diseases. Identifiers: MedGen C0950123, MeSH D030342.

Allele frequency attached by ClinVar (database versions not stated): gnomAD exomes below 0.00001; TOPMed 0.00002.
gnomAD v4.1: 1 of 1,613,398 alleles (0.000062%); highest among the groups gnomAD compares: African/African-American, 0.0013%; no homozygotes.

Submissions (2):

Ambry Genetics
Classification: Uncertain significance for Inborn genetic diseases. Last evaluated: 2025-04-04. Review status: criteria provided, single submitter. Criteria: Ambry Variant Classification Scheme 2023. Collection method: clinical testing. Allele origin: germline.

Labcorp Genetics (formerly Invitae), Labcorp
Classification: Uncertain significance. Last evaluated: 2021-08-28. Review status: criteria provided, single submitter. Criteria: Invitae Variant Classification Sherloc (09022015). Collection method: clinical testing. Allele origin: germline.
Comment: In summary, the available evidence is currently insufficient to determine the role of this variant in disease. Therefore, it has been classified as a Variant of Uncertain Significance. Algorithms developed to predict the effect of missense changes on protein structure and function are either unavailable or do not agree on the potential impact of this missense change (SIFT: "Tolerated"; PolyPhen-2: "Probably Damaging"; Align-GVGD: "Class C0"). This variant has not been reported in the literature in individuals affected with KIAA1549-related conditions. This variant is not present in population databases (ExAC no frequency). This sequence change replaces isoleucine with valine at codon 1494 of the KIAA1549 protein (p.Ile1494Val). The isoleucine residue is highly conserved and there is a small physicochemical difference between isoleucine and valine.

NM_001164665.2(KIAA1549):c.4480A>G (p.Ile1494Val)

Gene: KIAA1549 (KIAA1549; minus strand). Cytogenetic location: 7q34.
Variant type: single nucleotide variant.
Coding change: c.4480A>G on transcript NM_001164665.2 (MANE Select); coding-DNA position 4480, A replaced by G.
Protein change: p.Ile1494Val; replaces isoleucine 1494 with valine.
Molecular consequence: missense variant.
Genome position (GRCh38, 1-based): chr7:138,871,228, T>C on the plus strand (A>G on the coding strand, the complement: KIAA1549 is on the minus strand). VCF-style: chr7-138871228-T-C. GRCh37 (hg19) VCF-style: chr7-138555974-T-C.
Other names: c.4480A>G, p.Ile1494Val (NM_020910.3); c.4480A>G (NM_001164665.1); short protein forms I1494V.
Identifiers: ClinVar variation 1479712 (VCV001479712.5), dbSNP rs901044318, ClinGen allele CA167139124.